The following is an entry in ClinVar:

ClinVar aggregate classification (germline): Pathogenic. Review status: criteria provided, multiple submitters, no conflicts (2 of 4 stars). 8 submissions from 8 submitters: Pathogenic (6). 2 of the submissions do not count toward it. Last evaluated 2025-05-14.

Conditions:
SETBP1-related disorder. Also called: SETBP1-related condition; SETBP1-related disorders.
Intellectual developmental disorder, autosomal dominant 29. Also called: Intellectual disability, autosomal dominant 29; SETBP1 Haploinsufficiency Disorder. Identifiers: Orphanet 436151, MedGen C4015141, MONDO:0014482, OMIM 616078.
Schinzel-Giedion syndrome (SGS). Identifiers: Orphanet 798, MedGen C0265227, MONDO:0010010, OMIM 269150.
Intellectual disability. Also called: Intellectual developmental disorder; Intellectual functioning disability; intellectual disabilities. Identifiers: MedGen C3714756, MeSH D008607, MONDO:0001071, HP:0001249.

Submissions (8):

Variantyx, Inc.
Classification: Pathogenic for Intellectual developmental disorder, autosomal dominant 29. Last evaluated: 2025-05-14. Review status: criteria provided, single submitter. Criteria: Variantyx Assertion Criteria 2022. Collection method: clinical testing. Allele origin: de novo. Inheritance: Autosomal dominant inheritance. Affected: yes.
Comment: This is a nonsense variant in the SETBP1 gene (OMIM: 611060). Pathogenic variants in this gene have been associated with autosomal dominant intellectual developmental disorder 29. This variant introduces a premature termination codon in exon 4 out of 6 and is expected to result in loss of function, which is a known disease mechanism for SETBP1 in this disorder (PMID:21037274, 38923504) (PVS1).It has been reported in several unrelated affected individuals (PMID: 25217958, 33907317) (PS4_Moderate). , while it is absent from control populations (PM2). Based on the current evidence, this variant is classified as pathogenic for autosomal dominant intellectual developmental disorder 29.

Women's Health and Genetics/Laboratory Corporation of America, LabCorp
Classification: Pathogenic for SETBP1-Related Disorders. Last evaluated: 2024-11-01. Review status: criteria provided, single submitter. Criteria: LabCorp Variant Classification Summary - May 2015. Collection method: clinical testing. Allele origin: germline.
Comment: Variant summary: SETBP1 c.1876C>T (p.Arg626X) results in a premature termination codon, predicted to cause a truncation of the encoded protein or absence of the protein due to nonsense mediated decay, which are commonly known mechanisms for disease. The variant was absent in 248668 control chromosomes. c.1876C>T has been reported in the literature in individuals affected with SETBP1-Related Disorders (e.g. Coe_2014, Morgan_2021). To our knowledge, no experimental evidence demonstrating an impact on protein function has been reported. The following publications have been ascertained in the context of this evaluation (PMID: 25217958, 33907317). ClinVar contains an entry for this variant (Variation ID: 157560). Based on the evidence outlined above, the variant was classified as pathogenic.

GeneDx
Classification: Pathogenic. Last evaluated: 2023-10-10. Review status: criteria provided, single submitter. Criteria: GeneDx Variant Classification Process June 2021. Collection method: clinical testing. Allele origin: germline. Affected: yes.
Comment: Nonsense variant predicted to result in protein truncation or nonsense mediated decay in a gene for which loss of function is a known mechanism of disease; Not observed at significant frequency in large population cohorts (gnomAD); This variant is associated with the following publications: (PMID: 34490615, 33907317, 25217958)

Labcorp Genetics (formerly Invitae), Labcorp
Classification: Pathogenic. Last evaluated: 2023-05-16. Review status: criteria provided, single submitter. Criteria: Invitae Variant Classification Sherloc (09022015). Collection method: clinical testing. Allele origin: germline.
Comment: This sequence change creates a premature translational stop signal (p.Arg626*) in the SETBP1 gene. It is expected to result in an absent or disrupted protein product. Loss-of-function variants in SETBP1 are known to be pathogenic (PMID: 21037274, 25217958). For these reasons, this variant has been classified as Pathogenic. ClinVar contains an entry for this variant (Variation ID: 157560). This premature translational stop signal has been observed in individual(s) with clinical features of SETBP1-related conditions (PMID: 25217958, 33907317, 34490615). This variant is not present in population databases (gnomAD no frequency).

Cambridge Genomics Laboratory, East Genomic Laboratory Hub, NHS Genomic Medicine Service
Classification: Pathogenic for Intellectual disability. Last evaluated: 2020-03-20. Review status: criteria provided, single submitter. Criteria: ACGS Best Practice Guidelines for Variant Classification in Rare Disease 2020. Collection method: clinical testing. Allele origin: germline. Affected: yes. Observed: 1 variant allele.

Fulgent Genetics
Classification: Pathogenic for Schinzel-Giedion syndrome; Intellectual developmental disorder, autosomal dominant 29. Last evaluated: 2018-10-31. Review status: criteria provided, single submitter. Criteria: ACMG Guidelines, 2015. Collection method: clinical testing. Allele origin: unknown.

PreventionGenetics, part of Exact Sciences
Classification: Pathogenic for SETBP1-related condition. Last evaluated: 2023-12-06. Review status: no assertion criteria provided. Collection method: clinical testing. Allele origin: germline. Not counted in ClinVar's aggregate classification.
Comment: The SETBP1 c.1876C>T variant is predicted to result in premature protein termination (p.Arg626*). This variant was reported in an individual with neurodevelopmental disorder (Coe. 2014. PubMed ID: 25217958; Morgan. 2021. PubMed ID: 33907317; van der Ven. 2021. PubMed ID: 34490615). This variant has not been reported in a large population database, indicating this variant is rare. Nonsense variants in SETBP1 are expected to be pathogenic. This variant is interpreted as pathogenic.

OMIM
Classification: Pathogenic for INTELLECTUAL DEVELOPMENTAL DISORDER, AUTOSOMAL DOMINANT 29. Last evaluated: 2014-10-01. Review status: no assertion criteria provided. Collection method: literature only. Allele origin: germline. Not counted in ClinVar's aggregate classification.

Literature cited by the submitters: PubMed 25217958 (cited by 4 submitters); PubMed 33907317 (cited by 3 submitters); PubMed 21037274 (cited by Variantyx, Inc. and Labcorp Genetics (formerly Invitae), Labcorp); PubMed 34490615 (cited by Labcorp Genetics (formerly Invitae), Labcorp).

NM_015559.3(SETBP1):c.1876C>T (p.Arg626Ter)

Gene: SETBP1 (SET binding protein 1; plus strand). Cytogenetic location: 18q12.3.
Variant type: single nucleotide variant.
Coding change: c.1876C>T on transcript NM_015559.3 (MANE Select); coding-DNA position 1876, C replaced by T.
Protein change: p.Arg626Ter; replaces arginine 626 with a stop codon.
Molecular consequence: nonsense.
Genome position (GRCh38, 1-based): chr18:44,951,216, C>T. VCF-style: chr18-44951216-C-T. GRCh37 (hg19) VCF-style: chr18-42531181-C-T.
Other names: short protein forms R626*.
Identifiers: ClinVar variation 157560 (VCV000157560.16), dbSNP rs606231273, ClinGen allele CA170966.